The following is an entry in ClinVar:

NM_000051.4(ATM):c.7988T>C (p.Val2663Ala)

Genes: ATM (ATM serine/threonine kinase; plus strand), C11orf65 (chromosome 11 open reading frame 65; minus strand). Cytogenetic location: 11q22.3.
Variant type: single nucleotide variant.
Coding change: c.7988T>C on transcript NM_000051.4 (MANE Select); coding-DNA position 7988, T replaced by C.
Protein change: p.Val2663Ala; replaces valine 2663 with alanine.
Molecular consequence: missense variant. On other transcripts: intron variant (2).
Genome position (GRCh38, 1-based): chr11:108,333,946, T>C. VCF-style: chr11-108333946-T-C. GRCh37 (hg19) VCF-style: chr11-108204673-T-C.
Other names: p.V2663A:GTT>GCT; NP_000042.3:p.Val2663Ala; c.7988T>C (NM_000051.2); c.7988T>C, p.Val2663Ala (NM_001351834.2); c.641-24875A>G (NM_001330368.2); c.*38+1274A>G (NM_001351110.2); short protein forms V2663A.
Identifiers: ClinVar variation 133635 (VCV000133635.42), dbSNP rs377648506, ClinGen allele CA157177.

ClinVar aggregate classification (germline): Conflicting classifications of pathogenicity. Review status: criteria provided, conflicting classifications (1 of 4 stars). 18 submissions from 18 submitters: Uncertain significance (9); Benign (1); Likely benign (6). 2 of the submissions do not count toward it. Last evaluated 2026-10-01.

Conditions:
ATM-related disorder. Also called: ATM-related disorders; ATM-related condition.
Hereditary cancer-predisposing syndrome. Also called: Neoplastic Syndromes, Hereditary; Hereditary Cancer Syndrome; Tumor predisposition; Hereditary neoplastic syndrome. Identifiers: Orphanet 140162, MedGen C0027672, MeSH D009386, MONDO:0015356.
Hereditary breast ovarian cancer syndrome. Also called: BRCA1- and BRCA2-Associated Hereditary Breast and Ovarian Cancer; Hereditary breast and ovarian cancer syndrome; Hereditary breast and ovarian cancer syndrome (HBOC); Hereditary breast and/or ovarian cancer syndrome; Hereditary breast and ovarian cancer; Breast and ovarian cancer. Identifiers: Orphanet 145, MedGen C0677776, MeSH D061325, MONDO:0003582. Disease mechanism: loss of function.
Familial cancer of breast. Also called: BREAST CANCER, FAMILIAL; hereditary breast carcinoma; Hereditary breast cancer. Identifiers: Orphanet 227535, MedGen C0346153, MONDO:0016419, OMIM 114480. Disease mechanism: loss of function.
Ataxia-telangiectasia syndrome (AT). Also called: Ataxia-telangiectasia, complementation group D; AT, COMPLEMENTATION GROUP C; Ataxia-telangiectasia; ATAXIA-TELANGIECTASIA, COMPLEMENTATION GROUP A; ATAXIA-TELANGIECTASIA, FRESNO VARIANT; Ataxia-telangiectasia, complementation group E. Identifiers: Orphanet 100, MedGen C0004135, MONDO:0008840, OMIM 208900.

Allele frequency attached by ClinVar (database versions not stated): gnomAD exomes 0.00001 and 0.00006; ExAC 0.00004; gnomAD 0.00010; 1000 Genomes Project 0.00020; ESP Exome Variant Server 0.00008; 1000 Genomes Project 30x 0.00016; TOPMed 0.00016.
gnomAD v4.1: 34 of 1,611,164 alleles (0.0021%); highest among the groups gnomAD compares: African/African-American, 0.035%; no homozygotes.

Submissions (18):

St. Jude Molecular Pathology, St. Jude Children's Research Hospital
Classification: Uncertain significance for Ataxia-telangiectasia syndrome. Last evaluated: 2026-10-01. Review status: criteria provided, single submitter. Criteria: St. Jude Assertion Criteria 2020. Collection method: clinical testing. Allele origin: germline.
Comment: The ATM c.7988T>C p.(Val2663Ala) missense change has a maximum subpopulation frequency of 0.05% in gnomAD v2.1.1. The in silico tool REVEL predicts a benign effect on protein function, but to our knowledge this prediction has not been confirmed by functional studies. To our knowledge, this variant has not been reported in individu als with ataxia telangiectasia. In summary, the evidence currently available is insufficient to determine the clinical significance of this variant. It has therefore been classified as of uncertain significance.

PreventionGenetics, part of Exact Sciences
Classification: Likely benign for ATM-related condition. Last evaluated: 2026-08-02. Review status: criteria provided, single submitter. Criteria: ACMG Guidelines, 2015. Collection method: clinical testing. Allele origin: germline.
Comment: This variant is classified as likely benign based on ACMG/AMP sequence variant interpretation guidelines (Richards et al. 2015 PMID: 25741868, with internal and published modifications).

Ambry Genetics
Classification: Likely benign for Hereditary cancer-predisposing syndrome. Last evaluated: 2026-06-12. Review status: criteria provided, single submitter. Criteria: Ambry Variant Classification Scheme 2023. Collection method: clinical testing. Allele origin: germline.

Institute for Biomarker Research, Medical Diagnostic Laboratories, L.L.C.
Classification: Likely benign for Hereditary cancer-predisposing syndrome. Last evaluated: 2026-03-09. Review status: criteria provided, single submitter. Criteria: ACMG Guidelines, 2015. Collection method: clinical testing. Allele origin: germline.
Comment: The missense variant NM_000051.3(ATM):c.7988T>C (p.Val2663Ala) is not currently classified as pathogenic in clinical sources (Accession: VCV000133635.37). The variant is observed in one or more well-documented healthy adults. There is a small physicochemical difference between valine and alanine, which is not likely to impact secondary protein structure as these residues share similar properties. For these reasons, this variant has been classified as Likely Benign.

Labcorp Genetics (formerly Invitae), Labcorp
Classification: Likely benign for Ataxia-telangiectasia syndrome. Last evaluated: 2026-01-31. Review status: criteria provided, single submitter. Criteria: Invitae Variant Classification Sherloc (09022015). Collection method: clinical testing. Allele origin: germline.

Athena Diagnostics
Classification: Uncertain significance. Last evaluated: 2025-08-21. Review status: criteria provided, single submitter. Criteria: Athena Diagnostics Criteria. Collection method: clinical testing. Allele origin: unknown.
Comment: Available data are insufficient to determine the clinical significance of the variant at this time. The frequency of this variant in the general population is uninformative in assessment of its pathogenicity. Polyphen and MutationTaster predict this amino acid change may be benign.

Quest Diagnostics Nichols Institute San Juan Capistrano
Classification: Uncertain significance. Last evaluated: 2025-08-21. Review status: criteria provided, single submitter. Criteria: Quest Diagnostics criteria. Collection method: clinical testing. Allele origin: unknown.
Comment: The ATM c.7988T>C (p.Val2663Ala) variant has been reported in the published literature in individuals with breast cancer (PMID: 26976419 (2016)), thyroid cancer (PMID: 29684080 (2018)), and in a reportedly unaffected individual (PMID: 24728327 (2014)). The frequency of this variant in the general population (Genome Aggregation Database) is uninformative in the assessment of its pathogenicity. Analysis of this variant using bioinformatics tools for the prediction of the effect of amino acid changes on protein structure and function yielded predictions that this variant is benign. Based on the available information, we are unable to determine the clinical significance of this variant.

Blueprint Genetics
Classification: Uncertain significance. Last evaluated: 2024-10-23. Review status: criteria provided, single submitter. Criteria: ACMG Guidelines, 2015. Collection method: clinical testing. Allele origin: germline.

Color Diagnostics, LLC DBA Color Health
Classification: Likely benign for Hereditary cancer-predisposing syndrome. Last evaluated: 2024-09-18. Review status: criteria provided, single submitter. Criteria: ACMG Guidelines, 2015. Collection method: clinical testing. Allele origin: germline.

GeneDx
Classification: Uncertain significance. Last evaluated: 2024-03-04. Review status: criteria provided, single submitter. Criteria: GeneDx Variant Classification Process June 2021. Collection method: clinical testing. Allele origin: germline. Affected: yes.
Comment: Observed in individuals with a personal or family history of breast and other cancers (PMID: 26976419, 29684080, 32832836); In silico analysis supports that this missense variant does not alter protein structure/function; This variant is associated with the following publications: (PMID: 29684080, 24728327, 26976419, 30171174, 26193622, 32832836)

Baylor Genetics
Classification: Uncertain significance for Familial cancer of breast. Last evaluated: 2024-02-17. Review status: criteria provided, single submitter. Criteria: ACMG Guidelines, 2015. Collection method: clinical testing. Allele origin: unknown.

Women's Health and Genetics/Laboratory Corporation of America, LabCorp
Classification: Uncertain significance. Last evaluated: 2023-09-07. Review status: criteria provided, single submitter. Criteria: LabCorp Variant Classification Summary - May 2015. Collection method: clinical testing. Allele origin: germline.
Comment: Variant summary: ATM c.7988T>C (p.Val2663Ala) results in a non-conservative amino acid change in the encoded protein sequence. Three of five in-silico tools predict a benign effect of the variant on protein function. The variant allele was found at a frequency of 5.6e-05 in 251198 control chromosomes. This frequency is not significantly higher than expected for a pathogenic variant in ATM causing Ataxia Telangiectasia or Breast Cancer, allowing no conclusion about variant significance. c.7988T>C has been reported in the literature in at-least one individual affected with Breast Cancer (Tung_2016). This report does not provide unequivocal conclusions about association of the variant with Ataxia Telangiectasia or Breast Cancer. To our knowledge, no experimental evidence demonstrating an impact on protein function has been reported. The following publication have been ascertained in the context of this evaluation (PMID: 26976419). Eight submitters have cited clinical-significance assessments for this variant to ClinVar after 2014 (VUS, n=4; Likely benign, n=3; Benign, n=1). Based on the evidence outlined above, the variant was classified as uncertain significance.

Myriad Genetics, Inc.
Classification: Likely benign for Familial cancer of breast. Last evaluated: 2023-04-03. Review status: criteria provided, single submitter. Criteria: Myriad Autosomal Dominant, Autosomal Recessive and X-Linked Classification Criteria (2023). Collection method: clinical testing. Allele origin: unknown.
Comment: This variant is considered likely benign. This variant is strongly associated with less severe personal and family histories of cancer, typical for individuals without pathogenic variants in this gene [PMID: 25085752].

Department of Pathology and Laboratory Medicine, Sinai Health System
Classification: Uncertain significance for Familial cancer of breast. Last evaluated: 2022-07-18. Review status: criteria provided, single submitter. Criteria: ACMG Guidelines, 2015. Collection method: clinical testing. Allele origin: germline. Affected: yes.

National Health Laboratory Service, Universitas Academic Hospital and University of the Free State
Classification: Benign for Hereditary breast ovarian cancer syndrome. Last evaluated: 2022-04-19. Review status: criteria provided, single submitter. Criteria: ACMG Guidelines, 2015. Collection method: clinical testing. Allele origin: germline. Affected: yes. Observed: 1 variant allele.

Revvity Omics, Revvity
Classification: Uncertain significance for Ataxia-telangiectasia syndrome. Last evaluated: 2020-03-12. Review status: criteria provided, single submitter. Criteria: ACMG Guidelines, 2015. Collection method: clinical testing. Allele origin: germline.

Natera, Inc.
Classification: Uncertain significance for Ataxia-telangiectasia. Last evaluated: 2020-09-16. Review status: no assertion criteria provided. Collection method: clinical testing. Allele origin: germline. Not counted in ClinVar's aggregate classification.

ITMI
No classification provided. Condition: AllHighlyPenetrant. Last evaluated: 2013-09-19. Review status: no classification provided. Collection method: reference population. Allele origin: germline. Not counted in ClinVar's aggregate classification.
Comment: Please see associated publication for description of ethnicities

Literature cited by the submitters: PubMed 24728327 (cited by 5 submitters); PubMed 26976419 (cited by 5 submitters); PubMed 29684080 (cited by 4 submitters); PubMed 32832836 (cited by 3 submitters); PubMed 40580951 (cited by Ambry Genetics); PubMed 25085752 (cited by Myriad Genetics, Inc.).